The following is an entry in ClinVar:

ClinVar aggregate classification (germline): Likely pathogenic (1 of 4 stars; one submission).

Conditions:
Complement component 6 deficiency (C6D). Also called: C6 DEFICIENCY. Identifiers: MedGen C2676232, MONDO:0012908, OMIM 612446.

gnomAD v4.1: 2 of 1,613,766 alleles (0.00012%); highest among the groups gnomAD compares: East Asian, 0.0045%; no homozygotes.

Submission:

Juno Genomics, Hangzhou Juno Genomics, Inc
Classification: Likely pathogenic for Complement component 6 deficiency. Review status: criteria provided, single submitter. Criteria: ACMG Guidelines, 2015. Collection method: clinical testing. Allele origin: germline.
Comment: Null variant in a gene where loss of function (LOF) is a known mechanism of disease.;Absent from controls (or at extremely low frequency if recessive) in Genome Aggregation Database.

NM_000065.5(C6):c.2225C>A (p.Ser742Ter)

Gene: C6 (complement C6; minus strand). Cytogenetic location: 5p13.1.
Variant type: single nucleotide variant.
Coding change: c.2225C>A on transcript NM_000065.5 (MANE Select); coding-DNA position 2225, C replaced by A.
Protein change: p.Ser742Ter; replaces serine 742 with a stop codon.
Molecular consequence: nonsense.
Genome position (GRCh38, 1-based): chr5:41,153,875, G>T on the plus strand (C>A on the coding strand, the complement: C6 is on the minus strand). VCF-style: chr5-41153875-G-T. GRCh37 (hg19) VCF-style: chr5-41153977-G-T.
Other names: c.2225C>A, p.Ser742Ter (NM_001115131.4); short protein forms S742*.
Identifiers: ClinVar variation 5006901 (VCV005006901.2).
Genomic context (GRCh38, chr5:41,153,875, plus strand): 5'-TCACAGGTGAGAGAGTTTGAAATGGGTGGTGTCCAGGAATTCCCCTGGCATGTGTACCTT[G>T]ATGGCCCAGCAACAACAAAGCCTTTGGGGCAAGTTAGCTCAATGGATTCACCAATTCTAT-3'